The following is an entry in ClinVar:

ClinVar aggregate classification (germline): Likely benign. Review status: criteria provided, multiple submitters, no conflicts (2 of 4 stars). 4 submissions from 4 submitters: Likely benign (3). 1 of the submissions does not count toward it. Last evaluated 2025-12-18.

Conditions:
SETBP1-related disorder. Also called: SETBP1-related condition; SETBP1-related disorders.

Allele frequency attached by ClinVar (database versions not stated): gnomAD 0.00013 and 0.00015; TOPMed 0.00018; gnomAD exomes 0.00020 and 0.00021; ESP Exome Variant Server 0.00023; ExAC 0.00032.
gnomAD v4.1: 336 of 1,613,898 alleles (0.021%); highest among the groups gnomAD compares: Non-Finnish European, 0.025%; 2 homozygotes.

Submissions (4):

Labcorp Genetics (formerly Invitae), Labcorp
Classification: Likely benign. Last evaluated: 2025-12-18. Review status: criteria provided, single submitter. Criteria: Invitae Variant Classification Sherloc (09022015). Collection method: clinical testing. Allele origin: germline.

Blueprint Genetics
Classification: Likely benign. Last evaluated: 2024-10-28. Review status: criteria provided, single submitter. Criteria: ACMG Guidelines, 2015. Collection method: clinical testing. Allele origin: germline.

GeneDx
Classification: Likely benign. Last evaluated: 2020-11-02. Review status: criteria provided, single submitter. Criteria: GeneDx Variant Classification Process June 2021. Collection method: clinical testing. Allele origin: germline. Affected: yes.

PreventionGenetics, part of Exact Sciences
Classification: Likely benign for SETBP1-related condition. Last evaluated: 2019-12-27. Review status: no assertion criteria provided. Collection method: clinical testing. Allele origin: germline. Not counted in ClinVar's aggregate classification.
Comment: This variant is classified as likely benign based on ACMG/AMP sequence variant interpretation guidelines (Richards et al. 2015 PMID: 25741868, with internal and published modifications).

NM_015559.3(SETBP1):c.2706G>A (p.Pro902=)

Gene: SETBP1 (SET binding protein 1; plus strand). Cytogenetic location: 18q12.3.
Variant type: single nucleotide variant.
Coding change: c.2706G>A on transcript NM_015559.3 (MANE Select); coding-DNA position 2706, G replaced by A.
Protein change: p.Pro902=; no amino-acid change (proline 902 retained).
Molecular consequence: synonymous variant.
Genome position (GRCh38, 1-based): chr18:44,952,046, G>A. VCF-style: chr18-44952046-G-A. GRCh37 (hg19) VCF-style: chr18-42532011-G-A.
Other names: c.2706G>A, p.Pro902= (NM_001379141.1, NM_001379142.1).
Identifiers: ClinVar variation 1201100 (VCV001201100.14), dbSNP rs113916801, ClinGen allele CA8945782.